The following is an entry in ClinVar:

NM_001130987.2(DYSF):c.2772C>T (p.Asp924=)

Gene: DYSF (dysferlin; plus strand). Cytogenetic location: 2p13.2.
Variant type: single nucleotide variant.
Coding change: c.2772C>T on transcript NM_001130987.2 (MANE Select); coding-DNA position 2772, C replaced by T.
Protein change: p.Asp924=; no amino-acid change (aspartic acid 924 retained).
Molecular consequence: synonymous variant.
Genome position (GRCh38, 1-based): chr2:71,568,246, C>T. VCF-style: chr2-71568246-C-T. GRCh37 (hg19) VCF-style: chr2-71795376-C-T.
Other names: c.2811C>T, p.Asp937= (NM_001130979.2); c.2769C>T, p.Asp923= (NM_001130980.2, NM_001130981.2); c.2814C>T, p.Asp938= (NM_001130982.2); c.2721C>T, p.Asp907= (NM_001130983.2, NM_001130455.2); c.2679C>T, p.Asp893= (NM_001130984.2, NM_001130986.2); c.2772C>T, p.Asp924= (NM_001130985.2); c.2718C>T, p.Asp906= (NM_003494.4, NM_001130978.2); c.2676C>T, p.Asp892= (NM_001130977.2, NM_001130976.2); and 1 more.
Identifiers: ClinVar variation 1091014 (VCV001091014.12), dbSNP rs772806555, ClinGen allele CA1706282.

ClinVar aggregate classification (germline): Likely benign. Review status: criteria provided, multiple submitters, no conflicts (2 of 4 stars). 3 submissions from 3 submitters: Likely benign (2). 1 of the submissions does not count toward it. Last evaluated 2024-03-07.

Conditions:
DYSF-related disorder. Also called: DYSF-related condition; DYSF-related disorders.
Neuromuscular disease caused by qualitative or quantitative defects of dysferlin. Also called: Dysferlinopathy; Qualitative or quantitative defects of dysferlin. Identifiers: Orphanet 207073, MedGen C2931687, MONDO:0016145.

Allele frequency attached by ClinVar (database versions not stated): gnomAD exomes 0.00001 and 0.00002; gnomAD 0.00002; TOPMed 0.00002; ExAC 0.00002.
gnomAD v4.1: 25 of 1,614,094 alleles (0.0015%); highest among the groups gnomAD compares: African/African-American, 0.0027%; no homozygotes.

Submissions (3):

Labcorp Genetics (formerly Invitae), Labcorp
Classification: Likely benign for Neuromuscular disease caused by qualitative or quantitative defects of dysferlin. Last evaluated: 2024-03-07. Review status: criteria provided, single submitter. Criteria: Invitae Variant Classification Sherloc (09022015). Collection method: clinical testing. Allele origin: germline.

Breakthrough Genomics
Classification: Likely benign. Review status: criteria provided, single submitter. Criteria: ACMG Guidelines, 2015. Collection method: not provided. Allele origin: germline. Inheritance: Autosomal recessive inheritance. Affected: yes.

PreventionGenetics, part of Exact Sciences
Classification: Likely benign for DYSF-related condition. Last evaluated: 2019-05-06. Review status: no assertion criteria provided. Collection method: clinical testing. Allele origin: germline. Not counted in ClinVar's aggregate classification.
Comment: This variant is classified as likely benign based on ACMG/AMP sequence variant interpretation guidelines (Richards et al. 2015 PMID: 25741868, with internal and published modifications).